The following is an entry in ClinVar:

ClinVar aggregate classification (germline): Uncertain significance. Review status: criteria provided, multiple submitters, no conflicts (2 of 4 stars). 2 submissions from 2 submitters: Uncertain significance (2). Last evaluated 2025-12-10.

Conditions:
Primary ciliary dyskinesia 6. Also called: Primary Ciliary Dyskinesia 6: TXNDC3-Related Primary Ciliary Dyskinesia. Identifiers: Orphanet 244, MedGen C1970506, MONDO:0012571, OMIM 610852.
Primary ciliary dyskinesia. Also called: Ciliary dyskinesia. Identifiers: Orphanet 244, MedGen C0008780, MONDO:0016575, HP:0012265.

Allele frequency attached by ClinVar (database versions not stated): gnomAD 0.00001; TOPMed 0.00002.
gnomAD v4.1: 11 of 1,613,378 alleles (0.00068%); highest among the groups gnomAD compares: Middle Eastern, 0.016%; no homozygotes.

Submissions (2):

Labcorp Genetics (formerly Invitae), Labcorp
Classification: Uncertain significance for Primary ciliary dyskinesia 6. Last evaluated: 2025-12-10. Review status: criteria provided, single submitter. Criteria: Invitae Variant Classification Sherloc (09022015). Collection method: clinical testing. Allele origin: germline.
Comment: This sequence change replaces proline, which is neutral and non-polar, with leucine, which is neutral and non-polar, at codon 427 of the NME8 protein (p.Pro427Leu). This variant is present in population databases (no rsID available, gnomAD 0.006%). This variant has not been reported in the literature in individuals affected with NME8-related conditions. ClinVar contains an entry for this variant (Variation ID: 1767817). Invitae Evidence Modeling of protein sequence and biophysical properties (such as structural, functional, and spatial information, amino acid conservation, physicochemical variation, residue mobility, and thermodynamic stability) indicates that this missense variant is not expected to disrupt NME8 protein function with a negative predictive value of 80%. In summary, the available evidence is currently insufficient to determine the role of this variant in disease. Therefore, it has been classified as a Variant of Uncertain Significance.

Ambry Genetics
Classification: Uncertain significance for Primary ciliary dyskinesia. Last evaluated: 2021-06-14. Review status: criteria provided, single submitter. Criteria: Ambry Variant Classification Scheme 2023. Collection method: clinical testing. Allele origin: germline.
Comment: The p.P427L variant (also known as c.1280C>T), located in coding exon 13 of the NME8 gene, results from a C to T substitution at nucleotide position 1280. The proline at codon 427 is replaced by leucine, an amino acid with similar properties. This amino acid position is conserved. In addition, this alteration is predicted to be tolerated by in silico analysis. Since supporting evidence is limited at this time, the clinical significance of this alteration remains unclear.

NM_016616.5(NME8):c.1280C>T (p.Pro427Leu)

Gene: NME8 (NME/NM23 family member 8; plus strand). Cytogenetic location: 7p14.1.
Variant type: single nucleotide variant.
Coding change: c.1280C>T on transcript NM_016616.5 (MANE Select); coding-DNA position 1280, C replaced by T.
Protein change: p.Pro427Leu; replaces proline 427 with leucine.
Molecular consequence: missense variant.
Genome position (GRCh38, 1-based): chr7:37,888,309, C>T. VCF-style: chr7-37888309-C-T. GRCh37 (hg19) VCF-style: chr7-37927911-C-T.
Other names: short protein forms P427L.
Identifiers: ClinVar variation 1767817 (VCV001767817.3), dbSNP rs1480963535, ClinGen allele CA367216214.